The following is an entry in ClinVar:

NM_000257.4(MYH7):c.2707G>A (p.Glu903Lys)

Gene: MYH7 (myosin heavy chain 7; minus strand). Cytogenetic location: 14q11.2.
Variant type: single nucleotide variant.
Coding change: c.2707G>A on transcript NM_000257.4 (MANE Select); coding-DNA position 2707, G replaced by A.
Protein change: p.Glu903Lys; replaces glutamic acid 903 with lysine.
Molecular consequence: missense variant.
Genome position (GRCh38, 1-based): chr14:23,424,122, C>T on the plus strand (G>A on the coding strand, the complement: MYH7 is on the minus strand). VCF-style: chr14-23424122-C-T. GRCh37 (hg19) VCF-style: chr14-23893331-C-T.
Other names: short protein forms E903K.
Identifiers: ClinVar variation 181202 (VCV000181202.18), dbSNP rs730880756, ClinGen allele CA012894.

ClinVar aggregate classification (germline): Likely pathogenic. Review status: criteria provided, multiple submitters, no conflicts (2 of 4 stars). 7 submissions from 7 submitters: Likely pathogenic (7). Last evaluated 2024-05-24.

Conditions:
Cardiovascular phenotype. Identifiers: MedGen CN230736.
MYH7-related disorder. Also called: MYH7-related condition; MYH7-related disease; MYH7-related disorders.
Hypertrophic cardiomyopathy 1 (CMH1). Also called: Familial hypertrophic cardiomyopathy 1; MYH7-Related Familial Hypertrophic Cardiomyopathy. Identifiers: MedGen C3495498, MONDO:0008647, OMIM 192600.
Hypertrophic cardiomyopathy. Also called: HYPERTROPHIC MYOCARDIOPATHY. Identifiers: Orphanet 217569, MedGen C0007194, MeSH D002312, MONDO:0005045, HP:0001639.

Submissions (7):

Regional Center For Medical Genetics Timis, Louis Turcanu Emergency Hospital for Children Timisoara
Classification: Likely pathogenic for Hypertrophic cardiomyopathy 1. Last evaluated: 2024-05-24. Review status: criteria provided, single submitter. Criteria: ACMG Guidelines, 2015. Collection method: research. Allele origin: germline. Affected: yes.
Comment: The variant is not present in healthy population databases (gnomAD v4.1.0, genomes and exomes). In silico predictions supports the pathogenicity of the variant (REVEL score = 0.88 > 0.75). Other P/LP variants are reported in the literature in Hypertrophic cardiomyopathy for the same amino acid residue. The variant was previously described in patients with hypertrophic cardiomyopathy (PMID: 15358028). Therefore the variant was classified as likely pathogenic, according to ACMG 2015 guidelines.

Labcorp Genetics (formerly Invitae), Labcorp
Classification: Likely pathogenic for Hypertrophic cardiomyopathy. Last evaluated: 2024-04-01. Review status: criteria provided, single submitter. Criteria: Invitae Variant Classification Sherloc (09022015). Collection method: clinical testing. Allele origin: germline.
Comment: This sequence change replaces glutamic acid, which is acidic and polar, with lysine, which is basic and polar, at codon 903 of the MYH7 protein (p.Glu903Lys). This variant is not present in population databases (gnomAD no frequency). This missense change has been observed in individual(s) with hypertrophic cardiomyopathy (PMID: 20031618, 31513939; Invitae). ClinVar contains an entry for this variant (Variation ID: 181202). Advanced modeling of protein sequence and biophysical properties (such as structural, functional, and spatial information, amino acid conservation, physicochemical variation, residue mobility, and thermodynamic stability) performed at Invitae indicates that this missense variant is expected to disrupt MYH7 protein function with a positive predictive value of 95%. This variant disrupts the p.Glu903 amino acid residue in MYH7. Other variant(s) that disrupt this residue have been determined to be pathogenic (PMID: 19808356, 25524337, 27247418, 27532257, 34555931). This suggests that this residue is clinically significant, and that variants that disrupt this residue are likely to be disease-causing. In summary, the currently available evidence indicates that the variant is pathogenic, but additional data are needed to prove that conclusively. Therefore, this variant has been classified as Likely Pathogenic.

Molecular Diagnostic Laboratory for Inherited Cardiovascular Disease, Montreal Heart Institute
Classification: Likely pathogenic for Cardiovascular phenotype. Last evaluated: 2024-01-19. Review status: criteria provided, single submitter. Criteria: ACMG Guidelines, 2015. Collection method: clinical testing. Allele origin: germline. Affected: yes.
Comment: PM1, PM2, PM5, PS4_supp, PP3

GeneDx
Classification: Likely pathogenic. Last evaluated: 2023-09-25. Review status: criteria provided, single submitter. Criteria: GeneDx Variant Classification Process June 2021. Collection method: clinical testing. Allele origin: germline. Affected: yes.
Comment: Not observed at significant frequency in large population cohorts (gnomAD); In silico analysis supports that this missense variant has a deleterious effect on protein structure/function; This variant is associated with the following publications: (PMID: 15358028, 31513939, 34667425, 27532257, 29300372, 20031618)

Blueprint Genetics
Classification: Likely pathogenic for MYH7-related disorders. Last evaluated: 2019-10-01. Review status: criteria provided, single submitter. Criteria: ACMG Guidelines, 2015. Collection method: clinical testing. Allele origin: germline. Affected: yes. Observed: 1 variant allele.

Center for Human Genetics, University of Leuven
Classification: Likely pathogenic for Hypertrophic cardiomyopathy. Last evaluated: 2018-10-31. Review status: criteria provided, single submitter. Criteria: ACMG Guidelines, 2015. Collection method: clinical testing. Allele origin: de novo. Affected: yes.

3billion
Classification: Likely pathogenic for Hypertrophic cardiomyopathy 1. Review status: criteria provided, single submitter. Criteria: ACMG Guidelines, 2015. Collection method: clinical testing. Allele origin: unknown. Affected: yes. Observed: 1 heterozygote.
Comment: The variant is not observed in the gnomAD v2.1.1 dataset. The variant is located in a mutational hot spot and/or well-established functional domain in which established pathogenic variants have been reported (PMID:. 29300372. Predicted Consequence/Location:). In silico tool predictions suggest damaging effect of the variant on gene or gene product (REVEL: 0.89; 3Cnet: 0.98). Same nucleotide change resulting in same amino acid change has been previously reported to be associated with MYH7 related disorder (PMID: 15358028). Different missense changes at the same codon (p.Glu903Gln, p.Glu903Gly) have been reported to be associated with MYH7 related disorder (PMID: 18403758, 25524337). Therefore, this variant is classified as Likely pathogenic according to the recommendation of ACMG/AMP guideline.

Literature cited by the submitters: PubMed 20031618 (cited by Labcorp Genetics (formerly Invitae), Labcorp); PubMed 31513939 (cited by Labcorp Genetics (formerly Invitae), Labcorp); PubMed 19808356 (cited by Labcorp Genetics (formerly Invitae), Labcorp); PubMed 25524337 (cited by Labcorp Genetics (formerly Invitae), Labcorp and 3billion); PubMed 27247418 (cited by Labcorp Genetics (formerly Invitae), Labcorp); PubMed 27532257 (cited by Labcorp Genetics (formerly Invitae), Labcorp); PubMed 34555931 (cited by Labcorp Genetics (formerly Invitae), Labcorp); PubMed 29300372 (cited by 3billion); PubMed 18403758 (cited by 3billion); PubMed 15358028 (cited by 3billion).